The following is an entry in ClinVar:

ClinVar aggregate classification (germline): Uncertain significance. Review status: criteria provided, multiple submitters, no conflicts (2 of 4 stars). 4 submissions from 4 submitters: Uncertain significance (4). Last evaluated 2025-05-16.

Conditions:
Inborn genetic diseases. Identifiers: MedGen C0950123, MeSH D030342.
Hereditary spastic paraplegia 11. Also called: Spastic paraplegia, mental retardation and thin corpus callosum; SPASTIC PARAPLEGIA, AUTOSOMAL RECESSIVE, COMPLICATED, WITH THIN CORPUS CALLOSUM; SPASTIC PARAPLEGIA, AUTOSOMAL RECESSIVE, WITH MENTAL IMPAIRMENT AND THIN CORPUS CALLOSUM; Spastic Paraplegia 11; Nakamura Osame syndrome; Autosomal recessive hereditary spastic paraplegia, mental impairment, and thin corpus callosum. Identifiers: Orphanet 2822, MedGen C1858479, MONDO:0011445, OMIM 604360.

Allele frequency attached by ClinVar (database versions not stated): gnomAD exomes 0.00001; TOPMed 0.00002; gnomAD 0.00003 and 0.00004.
gnomAD v4.1: 20 of 1,609,820 alleles (0.0012%); highest among the groups gnomAD compares: Non-Finnish European, 0.0016%; no homozygotes.

Submissions (4):

Mayo Clinic Laboratories, Mayo Clinic
Classification: Uncertain significance. Last evaluated: 2025-05-16. Review status: criteria provided, single submitter. Criteria: ACMG Guidelines, 2015. Collection method: clinical testing. Allele origin: germline. Observed: 1 variant allele.
Comment: BP4_moderate

Ambry Genetics
Classification: Uncertain significance for Inborn genetic diseases. Last evaluated: 2024-02-21. Review status: criteria provided, single submitter. Criteria: Ambry Variant Classification Scheme 2023. Collection method: clinical testing. Allele origin: germline.

Labcorp Genetics (formerly Invitae), Labcorp
Classification: Uncertain significance for Hereditary spastic paraplegia 11. Last evaluated: 2022-07-12. Review status: criteria provided, single submitter. Criteria: Invitae Variant Classification Sherloc (09022015). Collection method: clinical testing. Allele origin: germline.
Comment: This sequence change replaces isoleucine, which is neutral and non-polar, with valine, which is neutral and non-polar, at codon 149 of the SPG11 protein (p.Ile149Val). This variant is present in population databases (no rsID available, gnomAD 0.002%). This variant has not been reported in the literature in individuals affected with SPG11-related conditions. ClinVar contains an entry for this variant (Variation ID: 582804). Algorithms developed to predict the effect of missense changes on protein structure and function output the following: SIFT: "Tolerated"; PolyPhen-2: "Benign"; Align-GVGD: "Class C0". The valine amino acid residue is found in multiple mammalian species, which suggests that this missense change does not adversely affect protein function. In summary, the available evidence is currently insufficient to determine the role of this variant in disease. Therefore, it has been classified as a Variant of Uncertain Significance.

GeneDx
Classification: Uncertain significance. Last evaluated: 2022-07-08. Review status: criteria provided, single submitter. Criteria: GeneDx Variant Classification Process June 2021. Collection method: clinical testing. Allele origin: germline. Affected: yes.
Comment: Not observed at significant frequency in large population cohorts (gnomAD); In silico analysis supports that this missense variant does not alter protein structure/function; Has not been previously published as pathogenic or benign to our knowledge

NM_025137.4(SPG11):c.445A>G (p.Ile149Val)

Gene: SPG11 (SPG11 vesicle trafficking associated, spatacsin; minus strand). Cytogenetic location: 15q21.1.
Variant type: single nucleotide variant.
Coding change: c.445A>G on transcript NM_025137.4 (MANE Select); coding-DNA position 445, A replaced by G.
Protein change: p.Ile149Val; replaces isoleucine 149 with valine.
Molecular consequence: missense variant.
Genome position (GRCh38, 1-based): chr15:44,659,301, T>C on the plus strand (A>G on the coding strand, the complement: SPG11 is on the minus strand). VCF-style: chr15-44659301-T-C. GRCh37 (hg19) VCF-style: chr15-44951499-T-C.
Other names: p.Ile149Val; c.445A>G, p.Ile149Val (NM_001160227.2); short protein forms I149V.
Identifiers: ClinVar variation 582804 (VCV000582804.8), dbSNP rs1482526173, ClinGen allele CA392238042.
Genomic context (GRCh38, chr15:44,659,301, plus strand): 5'-TGATGAACAGTAATGATGTGTTATTGTGAAATGACAGGATTCTCAAAGACAATAAGGAAA[T>C]ACCTACAAAACAAAAGGATATTATTTCAAACTCATTGGTCACAATTTTACAACTGGTACA-3'
Protein context (NP_079413.3, residues 139-159): QKLIDDQDIS[Ile149Val]SLLSLRILSF